The following is an entry in ClinVar:

NM_003680.4(YARS1):c.511-16G>A

Gene: YARS1 (tyrosyl-tRNA synthetase 1; minus strand). Cytogenetic location: 1p35.1.
Variant type: single nucleotide variant.
Coding change: c.511-16G>A on transcript NM_003680.4 (MANE Select); 16 bases into the intron before coding-DNA position 511, G replaced by A.
Molecular consequence: intron variant.
Genome position (GRCh38, 1-based): chr1:32,797,859, C>T on the plus strand (G>A on the coding strand, the complement: YARS1 is on the minus strand). VCF-style: chr1-32797859-C-T. GRCh37 (hg19) VCF-style: chr1-33263460-C-T.
Identifiers: ClinVar variation 2002035 (VCV002002035.5), dbSNP rs781742444, ClinGen allele CA745174.

ClinVar aggregate classification (germline): Likely benign. Review status: criteria provided, multiple submitters, no conflicts (2 of 4 stars). 2 submissions from 2 submitters: Likely benign (2). Last evaluated 2025-06-10.

Conditions:
Charcot-Marie-Tooth disease dominant intermediate C (CMTDIC). Also called: CHARCOT-MARIE-TOOTH NEUROPATHY, DOMINANT INTERMEDIATE C. Identifiers: Orphanet 100045, MedGen C1842237, MONDO:0012012, OMIM 608323.

Allele frequency attached by ClinVar (database versions not stated): ExAC 0.00001; gnomAD 0.00005; TOPMed 0.00005; gnomAD exomes 0.00008.
gnomAD v4.1: 126 of 1,608,492 alleles (0.0078%); highest among the groups gnomAD compares: Non-Finnish European, 0.01%; 1 homozygote.

Submissions (2):

Women's Health and Genetics/Laboratory Corporation of America, LabCorp
Classification: Likely benign. Last evaluated: 2025-06-10. Review status: criteria provided, single submitter. Criteria: LabCorp Variant Classification Summary - May 2015. Collection method: clinical testing. Allele origin: germline.
Comment: Variant summary: YARS1 c.511-16G>A alters a nucleotide located at a position not widely known to affect splicing. Consensus agreement among computation tools predict no significant impact on normal splicing. However, these predictions have yet to be confirmed by functional studies. The variant allele was found at a frequency of 2.1e-05 in 282430 control chromosomes (gnomAD). The available data on variant occurrences in the general population are insufficient to allow any conclusion about variant significance. To our knowledge, no occurrence of c.511-16G>A in individuals affected with Neurologic, endocrine, and pancreatic disease, multisystem, infantile-onset 2 and no experimental evidence demonstrating its impact on protein function have been reported. ClinVar contains an entry for this variant (Variation ID: 2002035). Based on the evidence outlined above, the variant was classified as likely benign.

Labcorp Genetics (formerly Invitae), Labcorp
Classification: Likely benign for Charcot-Marie-Tooth disease dominant intermediate C. Last evaluated: 2024-04-05. Review status: criteria provided, single submitter. Criteria: Invitae Variant Classification Sherloc (09022015). Collection method: clinical testing. Allele origin: germline.